The following is an entry in ClinVar:

ClinVar aggregate classification (germline): Pathogenic (1 of 4 stars; one submission).

Conditions:
Joubert syndrome and related disorders. Identifiers: Orphanet 140874, MedGen C5679612, MONDO:0015369.

Submission:

Myriad Genetics, Inc.
Classification: Pathogenic for Joubert syndrome and related disorders. Last evaluated: 2024-09-24. Review status: criteria provided, single submitter. Criteria: Myriad Autosomal Dominant, Autosomal Recessive and X-Linked Classification Criteria (2023). Collection method: clinical testing. Allele origin: unknown.
Comment: NM_001080522.2(CC2D2A):c.587delC(T196Ifs*62) is expected to be pathogenic in the context of CC2D2A-related disorders. This variant is predicted to lead to an abnormal or absent protein product due to the creation of a premature termination codon in CC2D2A, a gene where loss-of-function variants are known to be pathogenic. Please note: this variant was assessed in the context of healthy population screening.

NM_001378615.1(CC2D2A):c.587del (p.Thr196fs)

Genes: CC2D2A (coiled-coil and C2 domain containing 2A; plus strand), FBXL5 (F-box and leucine rich repeat protein 5; minus strand). Cytogenetic location: 4p15.32.
Variant type: Deletion.
Coding change: c.587del on transcript NM_001378615.1 (MANE Select); coding-DNA position 587, one base deleted (C; older notation c.587delC).
Protein change: p.Thr196fs; shifts the reading frame from threonine 196.
Molecular consequence: frameshift variant.
Genome position (GRCh38, 1-based): chr4:15,511,293, C deleted. VCF-style (leftmost placement, unchanged base first): chr4-15511292-AC-A. GRCh37 (hg19) VCF-style: chr4-15512915-AC-A.
Other names: c.587del, p.Thr196fs (NM_001080522.2); c.440del, p.Thr147fs (NM_001378617.1); short protein forms T147fs, T196fs.
Identifiers: ClinVar variation 5013576 (VCV005013576.1).